The following is an entry in ClinVar:

NM_001243279.3(ACSF3):c.1075G>C (p.Glu359Gln)

Genes: ACSF3 (acyl-CoA synthetase family member 3; plus strand), LOC125177393 (P300/CBP strongly-dependent group 1 enhancer GRCh37_chr16:89180375-89181574; plus strand). Cytogenetic location: 16q24.3.
Variant type: single nucleotide variant.
Coding change: c.1075G>C on transcript NM_001243279.3 (MANE Select); coding-DNA position 1075, G replaced by C.
Protein change: p.Glu359Gln; replaces glutamic acid 359 with glutamine.
Molecular consequence: missense variant. On other transcripts: non-coding transcript variant (2).
Genome position (GRCh38, 1-based): chr16:89,114,436, G>C. VCF-style: chr16-89114436-G-C. GRCh37 (hg19) VCF-style: chr16-89180844-G-C.
Other names: c.1075G>C, p.Glu359Gln (NM_001127214.4, NM_174917.5); c.280G>C, p.Glu94Gln (NM_001284316.2); short protein forms E359Q, E94Q.
Identifiers: ClinVar variation 1067556 (VCV001067556.5), dbSNP rs150487794, ClinGen allele CA397140491.

ClinVar aggregate classification (germline): Likely pathogenic (1 of 4 stars; one submission).

Conditions:
Combined malonic and methylmalonic acidemia. Identifiers: Orphanet 289504, MedGen C3280314, MONDO:0013661, OMIM 614265.

Submission:

Labcorp Genetics (formerly Invitae), Labcorp
Classification: Likely pathogenic for Combined malonic and methylmalonic acidemia. Last evaluated: 2020-09-23. Review status: criteria provided, single submitter. Criteria: Invitae Variant Classification Sherloc (09022015). Collection method: clinical testing. Allele origin: germline.
Comment: This variant disrupts the p.Glu359 amino acid residue in ACSF3. Other variant(s) that disrupt this residue have been determined to be pathogenic (PMID: 21785126, 26915364, 29858964, 21841779). This suggests that this residue is clinically significant, and that variants that disrupt this residue are likely to be disease-causing. In summary, the currently available evidence indicates that the variant is pathogenic, but additional data are needed to prove that conclusively. Therefore, this variant has been classified as Likely Pathogenic. Advanced modeling of protein sequence and biophysical properties (such as structural, functional, and spatial information, amino acid conservation, physicochemical variation, residue mobility, and thermodynamic stability) performed at Invitae indicates that this missense variant is expected to disrupt ACSF3 protein function. This variant has not been reported in the literature in individuals with ACSF3-related conditions. This variant is not present in population databases (ExAC no frequency). This sequence change replaces glutamic acid with glutamine at codon 359 of the ACSF3 protein (p.Glu359Gln). The glutamic acid residue is highly conserved and there is a small physicochemical difference between glutamic acid and glutamine.

Literature cited by the submitters: PubMed 21785126; PubMed 26915364; PubMed 29858964; PubMed 21841779.